The following is an entry in ClinVar:

NM_002067.5(GNA11):c.857C>T (p.Ser286Leu)

Gene: GNA11 (G protein subunit alpha 11; plus strand). Cytogenetic location: 19p13.3.
Variant type: single nucleotide variant.
Coding change: c.857C>T on transcript NM_002067.5 (MANE Select); coding-DNA position 857, C replaced by T.
Protein change: p.Ser286Leu; replaces serine 286 with leucine.
Molecular consequence: missense variant.
Genome position (GRCh38, 1-based): chr19:3,119,327, C>T. VCF-style: chr19-3119327-C-T. GRCh37 (hg19) VCF-style: chr19-3119325-C-T.
Other names: short protein forms S286L.
Identifiers: ClinVar variation 4974627 (VCV004974627.1).

ClinVar aggregate classification (germline): Uncertain significance (1 of 4 stars; one submission).

Conditions:
Familial hypocalciuric hypercalcemia 2. Also called: FAMILIAL BENIGN HYPERCALCEMIA, TYPE II; Hypocalciuric hypercalcemia, familial, type II; Hypocalciuric hypercalcemia, type II. Identifiers: Orphanet 101049, Orphanet 405, MedGen C1840347, MONDO:0007792, OMIM 145981.
Autosomal dominant hypocalcemia 2. Identifiers: Orphanet 2238, Orphanet 428, MedGen C3809243, MONDO:0014146, OMIM 615361.

gnomAD v4.1: 2 of 1,613,846 alleles (0.00012%); highest among the groups gnomAD compares: South Asian, 0.0011%; no homozygotes.

Submission:

Clinical Genomics Laboratory, Washington University in St. Louis
Classification: Uncertain significance for Autosomal dominant hypocalcemia 2; Familial hypocalciuric hypercalcemia 2. Last evaluated: 2026-02-18. Review status: criteria provided, single submitter. Criteria: ACMG Guidelines, 2015. Collection method: clinical testing. Allele origin: germline.
Comment: A GNA11 c.857C>T (p.Ser286Leu) variant was identified at a near heterozygous allelic fraction of 45.8%, a frequency which may be consistent with germline origin. This variant, to our knowledge, has not been reported in the medical literature or in the ClinVar database. It is only observed on 2/1,613,846 alleles in the general population (gnomAD v4.1.0), indicating it is not a common variant. Computational predictors indicate that the variant is damaging, evidence that correlates with impact to GNA11 function. Due to limited information, and based on ACMG/AMP guidelines for variant interpretation (Richards S et al., PMID: 25741868), the clinical significance of this variant is uncertain at this time.

Literature cited by the submitters: uncertain.